The following is an entry in ClinVar:

NM_001042492.3(NF1):c.7606_7615+1del

Gene: NF1 (neurofibromin 1; plus strand). Cytogenetic location: 17q11.2.
Variant type: Deletion.
Coding change: c.7606_7615+1del on transcript NM_001042492.3 (MANE Select); coding-DNA position 7606 through the canonical splice donor site of the intron after coding-DNA position 7615, 11 bases deleted (AAGTTGCTTGG).
Molecular consequence: splice donor variant.
Genome position (GRCh38, 1-based): chr17:31,352,405-31,352,415, AAGTTGCTTGG deleted; deleting any 11 consecutive bases within chr17:31,352,404-31,352,415 gives the same sequence; the c. name uses the placement nearest the transcript's 3' end. VCF-style (leftmost placement, unchanged base first): chr17-31352403-AGAAGTTGCTTG-A. GRCh37 (hg19) VCF-style: chr17-29679421-AGAAGTTGCTTG-A.
Other names: c.7543_7552+1del11 (NM_000267.3); c.7543_7552+1del (NM_000267.4).
Identifiers: ClinVar variation 429000 (VCV000429000.5), dbSNP rs1131691120, ClinGen allele CA645369731.

ClinVar aggregate classification (germline): Pathogenic (1 of 4 stars; one submission).

Conditions:
Hereditary cancer-predisposing syndrome. Also called: Hereditary Cancer Syndrome; Neoplastic Syndromes, Hereditary; Hereditary neoplastic syndrome; Tumor predisposition. Identifiers: Orphanet 140162, MedGen C0027672, MeSH D009386, MONDO:0015356.
Cardiovascular phenotype. Identifiers: MedGen CN230736.

Submission:

Ambry Genetics
Classification: Pathogenic for Cardiovascular phenotype; Hereditary cancer-predisposing syndrome. Last evaluated: 2016-06-17. Review status: criteria provided, single submitter. Criteria: Ambry Variant Classification Scheme 2023. Collection method: clinical testing. Allele origin: germline.
Comment: The c.7543_7552+1del11 pathogenic mutation results from a deletion of 11 nucleotides located at positions 7543 to 7552 as well as the first intronic nucleotide after coding exon 50 of the NF1 gene, deleting the canonical donor splice site. Using the BDGP and ESEfinder splice site prediction tools, this alteration is predicted to abolish the native donor splice site and create a weaker alternate splice donor site; however, direct evidence is unavailable. Since alterations that disrupt the canonical splice donor site are typically deleterious in nature, this alteration is interpreted as a disease-causing mutation (ACMG Recommendations for Standards for Interpretation and Reporting of Sequence Variations. Revision 2007. Genet Med. 2008;10:294).